The following is an entry in ClinVar:

NM_000368.5(TSC1):c.1751G>C (p.Ser584Thr)

Gene: TSC1 (TSC complex subunit 1; minus strand). Cytogenetic location: 9q34.13.
Variant type: single nucleotide variant.
Coding change: c.1751G>C on transcript NM_000368.5 (MANE Select); coding-DNA position 1751, G replaced by C.
Protein change: p.Ser584Thr; replaces serine 584 with threonine.
Molecular consequence: missense variant.
Genome position (GRCh38, 1-based): chr9:132,905,827, C>G on the plus strand (G>C on the coding strand, the complement: TSC1 is on the minus strand). VCF-style: chr9-132905827-C-G. GRCh37 (hg19) VCF-style: chr9-135781214-C-G.
Other names: c.1748G>C, p.Ser583Thr (NM_001162426.2); c.1598G>C, p.Ser533Thr (NM_001162427.2); c.1388G>C, p.Ser463Thr (NM_001362177.2); short protein forms S584T, S463T, S583T, S533T.
Identifiers: ClinVar variation 187525 (VCV000187525.19), dbSNP rs786203799, ClinGen allele CA005341.

ClinVar aggregate classification (germline): Conflicting classifications of pathogenicity. Review status: criteria provided, conflicting classifications (1 of 4 stars). 5 submissions from 4 submitters: Uncertain significance (4); Likely benign (1). Last evaluated 2024-10-17.

Conditions:
Hereditary cancer-predisposing syndrome. Also called: Hereditary Cancer Syndrome; Neoplastic Syndromes, Hereditary; Tumor predisposition; Hereditary neoplastic syndrome. Identifiers: Orphanet 140162, MedGen C0027672, MeSH D009386, MONDO:0015356.
Isolated focal cortical dysplasia type II (FCORD2). Also called: CORTICAL DYSPLASIA OF TAYLOR; Focal cortical dysplasia type II. Identifiers: Orphanet 268994, MedGen C1846385, MONDO:0011818, OMIM 607341, HP:0032051.
Tuberous sclerosis 1 (TSC1). Identifiers: Orphanet 805, MedGen C1854465, MONDO:0008612, OMIM 191100.

Allele frequency attached by ClinVar (database versions not stated): gnomAD exomes below 0.00001 and 0.00001; TOPMed below 0.00001.
gnomAD v4.1: 8 of 1,614,186 alleles (0.0005%); highest among the groups gnomAD compares: Non-Finnish European, 0.00068%; no homozygotes.

Submissions (5):

Labcorp Genetics (formerly Invitae), Labcorp
Classification: Likely benign for Tuberous sclerosis 1. Last evaluated: 2024-10-17. Review status: criteria provided, single submitter. Criteria: Invitae Variant Classification Sherloc (09022015). Collection method: clinical testing. Allele origin: germline.

Ambry Genetics
Classification: Uncertain significance for Hereditary cancer-predisposing syndrome. Last evaluated: 2024-03-11. Review status: criteria provided, single submitter. Criteria: Ambry Variant Classification Scheme 2023. Collection method: clinical testing. Allele origin: germline.
Comment: The p.S584T variant (also known as c.1751G>C), located in coding exon 13 of the TSC1 gene, results from a G to C substitution at nucleotide position 1751. The serine at codon 584 is replaced by threonine, an amino acid with similar properties. This amino acid position is well conserved in available vertebrate species. In addition, the in silico prediction for this alteration is inconclusive. Since supporting evidence is limited at this time, the clinical significance of this alteration remains unclear.

Genome-Nilou Lab
Classification: Uncertain significance for Tuberous sclerosis 1. Last evaluated: 2021-11-07. Review status: criteria provided, single submitter. Criteria: ACMG Guidelines, 2015. Collection method: clinical testing. Allele origin: germline. Affected: no.

Illumina Laboratory Services, Illumina
Classification: Uncertain significance for Isolated focal cortical dysplasia type II. Last evaluated: 2018-01-15. Review status: criteria provided, single submitter. Criteria: ICSL Variant Classification Criteria 13 December 2019. Collection method: clinical testing. Allele origin: germline.

Illumina Laboratory Services, Illumina
Classification: Uncertain significance for Tuberous sclerosis 1. Last evaluated: 2018-01-15. Review status: criteria provided, single submitter. Criteria: ICSL Variant Classification Criteria 13 December 2019. Collection method: clinical testing. Allele origin: germline.